The following is an entry in ClinVar:

ClinVar aggregate classification (germline): Uncertain significance (1 of 4 stars; one submission).

Allele frequency attached by ClinVar (database versions not stated): gnomAD exomes below 0.00001.
gnomAD v4.1: 1 of 1,614,166 alleles (0.000062%); highest among the groups gnomAD compares: Non-Finnish European, 0.000085%; no homozygotes.

Submission:

Labcorp Genetics (formerly Invitae), Labcorp
Classification: Uncertain significance. Last evaluated: 2022-09-12. Review status: criteria provided, single submitter. Criteria: Invitae Variant Classification Sherloc (09022015). Collection method: clinical testing. Allele origin: germline.
Comment: This variant has not been reported in the literature in individuals affected with BACH2-related conditions. In summary, the available evidence is currently insufficient to determine the role of this variant in disease. Therefore, it has been classified as a Variant of Uncertain Significance. Advanced modeling of protein sequence and biophysical properties (such as structural, functional, and spatial information, amino acid conservation, physicochemical variation, residue mobility, and thermodynamic stability) performed at Invitae indicates that this missense variant is not expected to disrupt BACH2 protein function. This variant is not present in population databases (gnomAD no frequency). This sequence change replaces serine, which is neutral and polar, with leucine, which is neutral and non-polar, at codon 548 of the BACH2 protein (p.Ser548Leu).

NM_021813.4(BACH2):c.1643C>T (p.Ser548Leu)

Gene: BACH2 (BACH transcriptional regulator 2; minus strand). Cytogenetic location: 6q15.
Variant type: single nucleotide variant.
Coding change: c.1643C>T on transcript NM_021813.4 (MANE Select); coding-DNA position 1643, C replaced by T.
Protein change: p.Ser548Leu; replaces serine 548 with leucine.
Molecular consequence: missense variant.
Genome position (GRCh38, 1-based): chr6:89,950,463, G>A on the plus strand (C>T on the coding strand, the complement: BACH2 is on the minus strand). VCF-style: chr6-89950463-G-A. GRCh37 (hg19) VCF-style: chr6-90660182-G-A.
Other names: c.1643C>T, p.Ser548Leu (NM_001170794.2); short protein forms S548L.
Identifiers: ClinVar variation 1718493 (VCV001718493.5), dbSNP rs756865203, ClinGen allele CA143342155.